The following is an entry in ClinVar:

NM_004380.3(CREBBP):c.3821C>T (p.Thr1274Ile)

Gene: CREBBP (CREB binding lysine acetyltransferase; minus strand). Cytogenetic location: 16p13.3.
Variant type: single nucleotide variant.
Coding change: c.3821C>T on transcript NM_004380.3 (MANE Select); coding-DNA position 3821, C replaced by T.
Protein change: p.Thr1274Ile; replaces threonine 1274 with isoleucine.
Molecular consequence: missense variant.
Genome position (GRCh38, 1-based): chr16:3,749,642, G>A on the plus strand (C>T on the coding strand, the complement: CREBBP is on the minus strand). VCF-style: chr16-3749642-G-A. GRCh37 (hg19) VCF-style: chr16-3799643-G-A.
Other names: c.3707C>T, p.Thr1236Ile (NM_001079846.1); short protein forms T1236I, T1274I.
Identifiers: ClinVar variation 4990288 (VCV004990288.1).

ClinVar aggregate classification (germline): Uncertain significance (1 of 4 stars; one submission).

Conditions:
CREBBP-related disorder. Also called: CREBBP-related condition; CREBBP-related disorders.

gnomAD v4.1: 7 of 1,606,976 alleles (0.00044%); highest among the groups gnomAD compares: Non-Finnish European, 0.0006%; no homozygotes.

Submission:

PreventionGenetics, part of Exact Sciences
Classification: Uncertain significance for CREBBP-related condition. Last evaluated: 2024-11-21. Review status: criteria provided, single submitter. Criteria: ACMG Guidelines, 2015. Collection method: clinical testing. Allele origin: germline.
Comment: The CREBBP c.3821C>T variant is predicted to result in the amino acid substitution p.Thr1274Ile. To our knowledge, this variant has not been reported in the literature. This variant is reported in 0.0027% of alleles in individuals of European (Non-Finnish) descent in gnomAD. At this time, the clinical significance of this variant is uncertain due to the absence of conclusive functional and genetic evidence.